The following is an entry in ClinVar:

ClinVar aggregate classification (germline): Pathogenic/Likely pathogenic. Review status: criteria provided, multiple submitters, no conflicts (2 of 4 stars). 7 submissions from 7 submitters: Pathogenic (3); Likely pathogenic (2). 2 of the submissions do not count toward it. Last evaluated 2023-10-07.

Conditions:
VPS13B-related disorder. Also called: VPS13B-related condition.
Cohen syndrome (COH1). Also called: Cutis verticis gyrata, retinitis pigmentosa, and sensorineural deafness; PEPPER SYNDROME. Identifiers: Orphanet 193, MedGen C0265223, MONDO:0008999, OMIM 216550.

Allele frequency attached by ClinVar (database versions not stated): gnomAD exomes 0.00001; ExAC 0.00002.

Submissions (7):

Labcorp Genetics (formerly Invitae), Labcorp
Classification: Pathogenic for Cohen syndrome. Last evaluated: 2023-10-07. Review status: criteria provided, single submitter. Criteria: Invitae Variant Classification Sherloc (09022015). Collection method: clinical testing. Allele origin: germline.
Comment: This sequence change creates a premature translational stop signal (p.Arg3865Serfs*13) in the VPS13B gene. It is expected to result in an absent or disrupted protein product. Loss-of-function variants in VPS13B are known to be pathogenic (PMID: 15141358, 16648375, 20461111). This variant is present in population databases (rs747217399, gnomAD 0.002%). This variant has not been reported in the literature in individuals affected with VPS13B-related conditions. ClinVar contains an entry for this variant (Variation ID: 371090). For these reasons, this variant has been classified as Pathogenic.

Blueprint Genetics
Classification: Likely pathogenic for VPS13B-related disorders. Last evaluated: 2021-12-13. Review status: criteria provided, single submitter. Criteria: ACMG Guidelines, 2015. Collection method: clinical testing. Allele origin: germline. Affected: yes. Observed: 2 variant alleles.

Fulgent Genetics
Classification: Pathogenic for Cohen syndrome. Last evaluated: 2021-09-01. Review status: criteria provided, single submitter. Criteria: ACMG Guidelines, 2015. Collection method: clinical testing. Allele origin: unknown.

GeneDx
Classification: Likely pathogenic. Last evaluated: 2019-08-14. Review status: criteria provided, single submitter. Criteria: GeneDx Variant Classification Process June 2021. Collection method: clinical testing. Allele origin: germline. Affected: yes.
Comment: Frameshift variant predicted to result in protein truncation or nonsense mediated decay in a gene for which loss-of-function is a known mechanism of disease; Not observed at a significant frequency in large population cohorts (Lek et al., 2016); Has not been previously published as pathogenic or benign to our knowledge

Genetic Services Laboratory, University of Chicago
Classification: Pathogenic for Cohen syndrome. Last evaluated: 2016-01-20. Review status: criteria provided, single submitter. Criteria: ACMG Guidelines, 2015. Collection method: clinical testing. Allele origin: germline. Affected: yes.

Natera, Inc.
Classification: Likely pathogenic for Cohen syndrome. Last evaluated: 2020-02-04. Review status: no assertion criteria provided. Collection method: clinical testing. Allele origin: germline. Not counted in ClinVar's aggregate classification.

Counsyl
Classification: Likely pathogenic for Cohen syndrome. Last evaluated: 2016-06-24. Review status: no assertion criteria provided. Collection method: clinical testing. Allele origin: unknown. Not counted in ClinVar's aggregate classification.

Literature cited by the submitters: PubMed 15141358 (cited by Labcorp Genetics (formerly Invitae), Labcorp); PubMed 16648375 (cited by Labcorp Genetics (formerly Invitae), Labcorp); PubMed 20461111 (cited by Labcorp Genetics (formerly Invitae), Labcorp).

NM_152564.5(VPS13B):c.11520del (p.Arg3840fs)

Gene: VPS13B (vacuolar protein sorting 13 homolog B; plus strand). Cytogenetic location: 8q22.2.
Variant type: Deletion.
Coding change: c.11520del on transcript NM_152564.5 (MANE Select); coding-DNA position 11520, one base deleted (A; older notation c.11520delA).
Protein change: p.Arg3840fs; shifts the reading frame from arginine 3840.
Molecular consequence: frameshift variant.
Genome position (GRCh38, 1-based): chr8:99,871,472, A deleted. VCF-style (leftmost placement, unchanged base first): chr8-99871471-GA-G. GRCh37 (hg19) VCF-style: chr8-100883699-GA-G.
Other names: c.11595delA (NM_017890.4); c.11595del, p.Arg3865fs (NM_017890.5); short protein forms R3840fs.
Identifiers: ClinVar variation 371090 (VCV000371090.19), dbSNP rs747217399, ClinGen allele CA4825269.
Genomic context (GRCh38, chr8:99,871,471, plus strand): 5'-AGCTGGCCCCTGGCCTCACTTTTCTCCTTTTAAACAGGAAAATGCTTCAGTCTCTGGGCA[GA>G]CCAGAAGTCCACATGGCCCTGGACGTGGTTCTGGTGAGGGGCTCAGGCCAGGAGCATGAA-3'